The following is an entry in ClinVar:

NM_001024630.4(RUNX2):c.58G>T (p.Asp20Tyr)

Genes: RUNX2 (RUNX family transcription factor 2; plus strand), SUPT3H (SPT3 homolog, SAGA and STAGA complex component; minus strand). Cytogenetic location: 6p21.1.
Variant type: single nucleotide variant.
Coding change: c.58G>T on transcript NM_001024630.4 (MANE Select); coding-DNA position 58, G replaced by T.
Protein change: p.Asp20Tyr; replaces aspartic acid 20 with tyrosine.
Molecular consequence: missense variant. On other transcripts: non-coding transcript variant (2), intron variant (8).
Genome position (GRCh38, 1-based): chr6:45,328,784, G>T. VCF-style: chr6-45328784-G-T. GRCh37 (hg19) VCF-style: chr6-45296521-G-T.
Other names: c.58G>T, p.Asp20Tyr (NM_001015051.4); c.-73+36417C>A (NM_001350327.2); c.101+36417C>A (NM_001350325.2, NM_003599.4, NM_001350324.2 and 1 more transcripts); c.-265+36417C>A (NM_001261823.2); c.-51-5817C>A (NM_181356.3, NM_001350326.2); short protein forms D20Y.
Identifiers: ClinVar variation 4538257 (VCV004538257.1).
Genomic context (GRCh38, chr6:45,328,784, plus strand): 5'-ACTATGGCATCAAACAGCCTCTTCAGCACAGTGACACCATGTCAGCAAAACTTCTTTTGG[G>T]GTAAGTGTTACCATTTTTAAAATCCTGTAAGATATGAACCTGTTAAACATAAAGGTATGA-3'
Protein context (NP_001019801.3, residues 10-30): VTPCQQNFFW[Asp20Tyr]PSTSRRFSPP

ClinVar aggregate classification (germline): Uncertain significance (1 of 4 stars; one submission).

Submission:

Greenwood Genetic Center Diagnostic Laboratories, Greenwood Genetic Center
Classification: Uncertain significance. Last evaluated: 2025-05-27. Review status: criteria provided, single submitter. Criteria: ACMG Guidelines, 2015. Collection method: clinical testing. Allele origin: germline. Affected: yes.
Comment: PM2, PP3